The following is an entry in ClinVar:

ClinVar aggregate classification (germline): Uncertain significance. Review status: criteria provided, multiple submitters, no conflicts (2 of 4 stars). 2 submissions from 2 submitters: Uncertain significance (2). Last evaluated 2026-03-03.

Conditions:
KSR2-related disorder. Also called: KSR2-related condition.

Allele frequency attached by ClinVar (database versions not stated): gnomAD 0.00007; ESP Exome Variant Server 0.00008; ExAC 0.00010; TOPMed 0.00010.
gnomAD v4.1: 103 of 1,608,962 alleles (0.0064%); highest among the groups gnomAD compares: Middle Eastern, 0.016%; no homozygotes.

Submissions (2):

PreventionGenetics, part of Exact Sciences
Classification: Uncertain significance for KSR2-related condition. Last evaluated: 2026-03-03. Review status: criteria provided, single submitter. Criteria: ACMG Guidelines, 2015. Collection method: clinical testing. Allele origin: germline.
Comment: The KSR2 c.2365C>T variant is predicted to result in the amino acid substitution p.Arg789Trp. In an alternate transcript (NM_173598.6), this variant is known as c.2452C>T (p.Arg818Trp). To our knowledge, this variant has not been reported in the literature. This variant is reported in 0.011% of alleles in individuals of East Asian descent in gnomAD. Of note a different variant impacting the same amino acid (p.Arg818Gln) has been documented in a patient with obesity (Table S1 in Pearce et al. 2013. PubMed ID: 24209692). At this time, the clinical significance of the c.2452C>T (p.Arg818Trp) variant is uncertain due to the absence of conclusive functional and genetic evidence.

Labcorp Genetics (formerly Invitae), Labcorp
Classification: Uncertain significance. Last evaluated: 2024-01-11. Review status: criteria provided, single submitter. Criteria: Invitae Variant Classification Sherloc (09022015). Collection method: clinical testing. Allele origin: germline.
Comment: This sequence change replaces arginine, which is basic and polar, with tryptophan, which is neutral and slightly polar, at codon 789 of the KSR2 protein (p.Arg789Trp). This variant is present in population databases (rs372845126, gnomAD 0.007%). This variant has not been reported in the literature in individuals affected with KSR2-related conditions. An algorithm developed to predict the effect of missense changes on protein structure and function (PolyPhen-2) suggests that this variant is likely to be disruptive. In summary, the available evidence is currently insufficient to determine the role of this variant in disease. Therefore, it has been classified as a Variant of Uncertain Significance.

NM_173598.6(KSR2):c.2452C>T (p.Arg818Trp)

Gene: KSR2 (kinase suppressor of ras 2; minus strand). Cytogenetic location: 12q24.22.
Variant type: single nucleotide variant.
Coding change: c.2452C>T on transcript NM_173598.6 (MANE Select); coding-DNA position 2452, C replaced by T.
Protein change: p.Arg818Trp; replaces arginine 818 with tryptophan.
Molecular consequence: missense variant.
Genome position (GRCh38, 1-based): chr12:117,476,594, G>A on the plus strand (C>T on the coding strand, the complement: KSR2 is on the minus strand). VCF-style: chr12-117476594-G-A. GRCh37 (hg19) VCF-style: chr12-117914399-G-A.
Other names: c.2365C>T (NM_173598.4); short protein forms R818W.
Identifiers: ClinVar variation 2753865 (VCV002753865.5), dbSNP rs372845126, ClinGen allele CA6815707.
Genomic context (GRCh38, chr12:117,476,594, plus strand): 5'-GGATGATCTCTGGTGCCAGGTGGCATAGCCAGCCATTCTGGATGCGCAGTTTGTCCTCCC[G>A]CCTGGAGAAGCAAAGCACAGGATGAGCTCTGTTTCATAGCCCAGGGTGGACCAGTCCCCC-3'
Protein context (NP_775869.4, residues 808-828): SISGVLQAGR[Arg818Trp]EDKLRIQNGW